The following is an entry in ClinVar:

ClinVar aggregate classification (germline): Conflicting classifications of pathogenicity. Review status: criteria provided, conflicting classifications (1 of 4 stars). 6 submissions from 5 submitters: Uncertain significance (3); Benign (1); Likely benign (1). 1 of the submissions does not count toward it. Last evaluated 2026-01-18.

Conditions:
TNFRSF11A-related disorder. Also called: TNFRSF11A-related condition.
Autosomal recessive osteopetrosis 7. Identifiers: Orphanet 178389, MedGen C2676766, MONDO:0012859, OMIM 612301.
Paget disease of bone 2, early-onset (PDB2). Also called: Paget disease of bone 2. Identifiers: MedGen C4085251, MONDO:0011183, OMIM 602080.

Allele frequency attached by ClinVar (database versions not stated): TOPMed 0.00088; 1000 Genomes Project 30x 0.00094; ESP Exome Variant Server 0.00115; gnomAD exomes 0.00007 and 0.00018; ExAC 0.00027; 1000 Genomes Project 0.00080; gnomAD 0.00084 and 0.00088.
gnomAD v4.1: 226 of 1,614,136 alleles (0.014%); highest among the groups gnomAD compares: African/African-American, 0.29%; 2 homozygotes.

Submissions (6):

Labcorp Genetics (formerly Invitae), Labcorp
Classification: Benign. Last evaluated: 2026-01-18. Review status: criteria provided, single submitter. Criteria: Invitae Variant Classification Sherloc (09022015). Collection method: clinical testing. Allele origin: germline.

Blueprint Genetics
Classification: Likely benign. Last evaluated: 2024-10-16. Review status: criteria provided, single submitter. Criteria: ACMG Guidelines, 2015. Collection method: clinical testing. Allele origin: germline.

Illumina Laboratory Services, Illumina
Classification: Uncertain significance for Autosomal recessive osteopetrosis 7. Last evaluated: 2018-01-13. Review status: criteria provided, single submitter. Criteria: ICSL Variant Classification Criteria 13 December 2019. Collection method: clinical testing. Allele origin: germline.

Illumina Laboratory Services, Illumina
Classification: Uncertain significance for Paget disease of bone 2, early-onset. Last evaluated: 2018-01-13. Review status: criteria provided, single submitter. Criteria: ICSL Variant Classification Criteria 13 December 2019. Collection method: clinical testing. Allele origin: germline.

Eurofins Ntd Llc (ga)
Classification: Uncertain significance. Last evaluated: 2016-05-11. Review status: criteria provided, single submitter. Criteria: EGL Classification Definitions 2015. Collection method: clinical testing. Allele origin: germline. Observed: 1 variant allele, 1 heterozygote.

PreventionGenetics, part of Exact Sciences
Classification: Likely benign for TNFRSF11A-related condition. Last evaluated: 2024-02-02. Review status: no assertion criteria provided. Collection method: clinical testing. Allele origin: germline. Not counted in ClinVar's aggregate classification.
Comment: This variant is classified as likely benign based on ACMG/AMP sequence variant interpretation guidelines (Richards et al. 2015 PMID: 25741868, with internal and published modifications).

NM_003839.4(TNFRSF11A):c.1254T>G (p.Ser418=)

Gene: TNFRSF11A (TNF receptor superfamily member 11a; plus strand). Cytogenetic location: 18q21.33.
Variant type: single nucleotide variant.
Coding change: c.1254T>G on transcript NM_003839.4 (MANE Select); coding-DNA position 1254, T replaced by G.
Protein change: p.Ser418=; no amino-acid change (serine 418 retained).
Molecular consequence: synonymous variant. On other transcripts: intron variant (3).
Genome position (GRCh38, 1-based): chr18:62,369,171, T>G. VCF-style: chr18-62369171-T-G. GRCh37 (hg19) VCF-style: chr18-60036404-T-G.
Other names: c.1212T>G, p.Ser404= (NM_001278268.2); c.783+2411T>G (NM_001270949.2); c.730+7378T>G (NM_001270950.2); c.616+9122T>G (NM_001270951.2).
Identifiers: ClinVar variation 287597 (VCV000287597.21), dbSNP rs34966542, ClinGen allele CA8983938.